The following is an entry in ClinVar:

ClinVar aggregate classification (germline): Uncertain significance (1 of 4 stars; one submission).

Conditions:
Arrhythmogenic right ventricular dysplasia 10. Also called: Arrhythmogenic Right Ventricular Dysplasia/Cardiomyopathy10; Arrhythmogenic right ventricular dysplasia/cardiomyopathy, type 10; ARRHYTHMOGENIC RIGHT VENTRICULAR DYSPLASIA, FAMILIAL, 10. Identifiers: MedGen C1857777, MONDO:0012434, OMIM 610193.

Allele frequency attached by ClinVar (database versions not stated): gnomAD exomes 0.00001.
gnomAD v4.1: 4 of 1,604,434 alleles (0.00025%); highest among the groups gnomAD compares: Non-Finnish European, 0.00034%; no homozygotes.

Submission:

Labcorp Genetics (formerly Invitae), Labcorp
Classification: Uncertain significance for Arrhythmogenic right ventricular dysplasia 10. Last evaluated: 2025-03-17. Review status: criteria provided, single submitter. Criteria: Invitae Variant Classification Sherloc (09022015). Collection method: clinical testing. Allele origin: germline.
Comment: This sequence change replaces lysine, which is basic and polar, with glutamic acid, which is acidic and polar, at codon 448 of the DSG2 protein (p.Lys448Glu). This variant is not present in population databases (gnomAD no frequency). This variant has not been reported in the literature in individuals affected with DSG2-related conditions. ClinVar contains an entry for this variant (Variation ID: 969395). Invitae Evidence Modeling of protein sequence and biophysical properties (such as structural, functional, and spatial information, amino acid conservation, physicochemical variation, residue mobility, and thermodynamic stability) has been performed for this missense variant. However, the output from this modeling did not meet the statistical confidence thresholds required to predict the impact of this variant on DSG2 protein function. In summary, the available evidence is currently insufficient to determine the role of this variant in disease. Therefore, it has been classified as a Variant of Uncertain Significance.

NM_001943.5(DSG2):c.1342A>G (p.Lys448Glu)

Gene: DSG2 (desmoglein 2; plus strand). Cytogenetic location: 18q12.1.
Variant type: single nucleotide variant.
Coding change: c.1342A>G on transcript NM_001943.5 (MANE Select); coding-DNA position 1342, A replaced by G.
Protein change: p.Lys448Glu; replaces lysine 448 with glutamic acid.
Molecular consequence: missense variant.
Genome position (GRCh38, 1-based): chr18:31,535,331, A>G. VCF-style: chr18-31535331-A-G. GRCh37 (hg19) VCF-style: chr18-29115294-A-G.
Other names: short protein forms K448E.
Identifiers: ClinVar variation 969395 (VCV000969395.9), dbSNP rs2073222488, ClinGen allele CA402140357.